The following is an entry in ClinVar:

NM_014565.3(OR1A1):c.831G>A (p.Thr277=)

Gene: OR1A1 (olfactory receptor family 1 subfamily A member 1; plus strand). Cytogenetic location: 17p13.3.
Variant type: single nucleotide variant.
Coding change: c.831G>A on transcript NM_014565.3 (MANE Select); coding-DNA position 831, G replaced by A.
Protein change: p.Thr277=; no amino-acid change (threonine 277 retained).
Molecular consequence: synonymous variant.
Genome position (GRCh38, 1-based): chr17:3,216,451, G>A. VCF-style: chr17-3216451-G-A. GRCh37 (hg19) VCF-style: chr17-3119745-G-A.
Other names: c.831G>A, p.Thr277= (NM_001386104.1).
Identifiers: ClinVar variation 2647229 (VCV002647229.24), dbSNP rs144381897, ClinGen allele CA8286978.

ClinVar aggregate classification (germline): Likely benign (1 of 4 stars; one submission).

Allele frequency attached by ClinVar (database versions not stated): 1000 Genomes Project 30x 0.00125; TOPMed 0.00238; gnomAD 0.00259; ExAC 0.00265; ESP Exome Variant Server 0.00300; gnomAD exomes 0.00436; 1000 Genomes Project 0.00100.
gnomAD v4.1: 6,696 of 1,613,930 alleles (0.41%); highest among the groups gnomAD compares: Non-Finnish European, 0.53%; 20 homozygotes.

Submission:

CeGaT Center for Human Genetics Tuebingen
Classification: Likely benign. Last evaluated: 2022-11-01. Review status: criteria provided, single submitter. Criteria: CeGaT Center For Human Genetics Tuebingen Variant Classification Criteria Version 2. Collection method: clinical testing. Allele origin: germline. Affected: yes. Observed: 1 variant allele.
Comment: OR1A1: BP4, BP7